The following is an entry in ClinVar:

ClinVar aggregate classification (germline): Uncertain significance (1 of 4 stars; one submission).

gnomAD v4.1: 1 of 1,613,622 alleles (0.000062%); highest among the groups gnomAD compares: African/African-American, 0.0013%; no homozygotes.

Submission:

Ambry Genetics
Classification: Uncertain significance. Last evaluated: 2024-12-25. Review status: criteria provided, single submitter. Criteria: Ambry Variant Classification Scheme 2023. Collection method: clinical testing. Allele origin: germline.
Comment: The p.T42P variant (also known as c.124A>C), located in coding exon 2 of the RAD51B gene, results from an A to C substitution at nucleotide position 124. The threonine at codon 42 is replaced by proline, an amino acid with highly similar properties. This amino acid position is conserved. In addition, the in silico prediction for this alteration is inconclusive. Based on the available evidence, the clinical significance of this variant remains unclear.

NM_133510.4(RAD51B):c.124A>C (p.Thr42Pro)

Gene: RAD51B (RAD51 paralog B; plus strand). Cytogenetic location: 14q24.1.
Variant type: single nucleotide variant.
Coding change: c.124A>C on transcript NM_133510.4 (MANE Select); coding-DNA position 124, A replaced by C.
Protein change: p.Thr42Pro; replaces threonine 42 with proline.
Molecular consequence: missense variant. On other transcripts: 5 prime UTR variant (1).
Genome position (GRCh38, 1-based): chr14:67,825,503, A>C. VCF-style: chr14-67825503-A-C. GRCh37 (hg19) VCF-style: chr14-68292220-A-C.
Other names: c.124A>C, p.Thr42Pro (NM_001321809.2, NM_001321810.2, NM_001321812.1 and 6 more transcripts); c.10A>C, p.Thr4Pro (NM_001321815.1); c.-332A>C (NM_001321817.2); short protein forms T42P, T4P.
Identifiers: ClinVar variation 3786394 (VCV003786394.1).
Genomic context (GRCh38, chr14:67,825,503, plus strand): 5'-ACTCTCTTTATGTTTCTTTAGGACTTTTTATGTCTTTCCCCACTGGAGCTTATGAAGGTG[A>C]CTGGTCTGAGTTATCGAGGTGTCCATGAACTTCTATGTATGGTCAGCAGGGCCTGTGCCC-3'
Protein context (NP_598194.1, residues 32-52): CLSPLELMKV[Thr42Pro]GLSYRGVHEL